The following is an entry in ClinVar:

ClinVar aggregate classification (germline): Pathogenic/Likely pathogenic. Review status: criteria provided, multiple submitters, no conflicts (2 of 4 stars). 3 submissions from 3 submitters: Pathogenic (2); Likely pathogenic (1). Last evaluated 2025-03-14.

Conditions:
Developmental and epileptic encephalopathy, 54. Also called: Epileptic encephalopathy, early infantile, 54; HNRNPU-Related Neurodevelopmental Disorder. Identifiers: MedGen C4479319, MONDO:0033363, OMIM 617391.
HNRNPU-related disorders.

Submissions (3):

Greenwood Genetic Center Diagnostic Laboratories, Greenwood Genetic Center
Classification: Pathogenic for Developmental and epileptic encephalopathy, 54. Last evaluated: 2025-03-14. Review status: criteria provided, single submitter. Criteria: ACMG Guidelines, 2015. Collection method: clinical testing. Allele origin: germline. Affected: yes.
Comment: PVS1, PS2, PS4_Moderate, PM2

Labcorp Genetics (formerly Invitae), Labcorp
Classification: Pathogenic for Developmental and epileptic encephalopathy, 54. Last evaluated: 2023-09-15. Review status: criteria provided, single submitter. Criteria: Invitae Variant Classification Sherloc (09022015). Collection method: clinical testing. Allele origin: germline.
Comment: This sequence change creates a premature translational stop signal (p.Glu236Thrfs*6) in the HNRNPU gene. It is expected to result in an absent or disrupted protein product. Loss-of-function variants in HNRNPU are known to be pathogenic (PMID: 22678713, 28283832). This variant is present in population databases (rs770849021, gnomAD 0.0009%). This premature translational stop signal has been observed in individual(s) with clinical features of HNRNPU-related conditions (PMID: 32319732). For these reasons, this variant has been classified as Pathogenic.

Blueprint Genetics
Classification: Likely pathogenic for HNRNPU-related disorders. Last evaluated: 2020-03-10. Review status: criteria provided, single submitter. Criteria: ACMG Guidelines, 2015. Collection method: clinical testing. Allele origin: germline. Affected: yes. Observed: 1 variant allele.

Literature cited by the submitters: PubMed 22678713 (cited by Labcorp Genetics (formerly Invitae), Labcorp); PubMed 28283832 (cited by Labcorp Genetics (formerly Invitae), Labcorp); PubMed 32319732 (cited by Labcorp Genetics (formerly Invitae), Labcorp).

NM_031844.3(HNRNPU):c.706_707del (p.Glu236fs)

Gene: HNRNPU (heterogeneous nuclear ribonucleoprotein U; minus strand). Cytogenetic location: 1q44.
Variant type: Deletion.
Coding change: c.706_707del on transcript NM_031844.3 (MANE Select); coding-DNA positions 706 to 707, 2 bases deleted (GA; older notation c.706_707delGA).
Protein change: p.Glu236fs; shifts the reading frame from glutamic acid 236.
Molecular consequence: frameshift variant.
Genome position (GRCh38, 1-based): chr1:244,862,715-244,862,716, TC deleted on the plus strand (GA on the coding strand, the reverse complement: HNRNPU is on the minus strand); deleting any 2 consecutive bases within chr1:244,862,715-244,862,717 gives the same sequence; the c. name uses the placement nearest the transcript's 3' end. VCF-style (leftmost placement, unchanged base first): chr1-244862714-TTC-T. GRCh37 (hg19) VCF-style: chr1-245026016-TTC-T.
Other names: c.649_650del, p.Glu217fs (NM_004501.3); short protein forms E236fs, E217fs.
Identifiers: ClinVar variation 2734124 (VCV002734124.5), dbSNP rs770849021, ClinGen allele CA1486711.